The following is an entry in ClinVar:

ClinVar aggregate classification (germline): Uncertain significance (1 of 4 stars; one submission).

Conditions:
Inborn genetic diseases. Identifiers: MedGen C0950123, MeSH D030342.

gnomAD v4.1: 1 of 1,614,112 alleles (0.000062%); highest among the groups gnomAD compares: Non-Finnish European, 0.000085%; no homozygotes.

Submission:

Ambry Genetics
Classification: Uncertain significance for Inborn genetic diseases. Last evaluated: 2025-07-18. Review status: criteria provided, single submitter. Criteria: Ambry Variant Classification Scheme 2023. Collection method: clinical testing. Allele origin: germline.
Comment: The p.A193T variant (also known as c.577G>A), located in coding exon 5 of the BMPR2 gene, results from a G to A substitution at nucleotide position 577. The alanine at codon 193 is replaced by threonine, an amino acid with similar properties. This amino acid position is conserved. In addition, this alteration is predicted to be tolerated by in silico analysis. Based on the available evidence, the clinical significance of this variant remains unclear.

NM_001204.7(BMPR2):c.577G>A (p.Ala193Thr)

Gene: BMPR2 (bone morphogenetic protein receptor type 2; plus strand). Cytogenetic location: 2q33.2.
Variant type: single nucleotide variant.
Coding change: c.577G>A on transcript NM_001204.7 (MANE Select); coding-DNA position 577, G replaced by A.
Protein change: p.Ala193Thr; replaces alanine 193 with threonine.
Molecular consequence: missense variant.
Genome position (GRCh38, 1-based): chr2:202,514,935, G>A. VCF-style: chr2-202514935-G-A. GRCh37 (hg19) VCF-style: chr2-203379658-G-A.
Other names: short protein forms A193T.
Identifiers: ClinVar variation 4214455 (VCV004214455.1).